The following is an entry in ClinVar:

ClinVar aggregate classification (germline): Uncertain significance. Review status: criteria provided, single submitter (1 of 4 stars). 2 submissions from 2 submitters: Uncertain significance (1). 1 of the submissions does not count toward it. Last evaluated 2024-08-08.

Conditions:
Fanconi anemia (FA). Also called: Fanconi's anemia. Identifiers: Orphanet 84, MedGen C0015625, MeSH D005199, MONDO:0019391.
Malignant tumor of breast. Also called: Cancer breast; Malignant breast neoplasm. Identifiers: MedGen C0006142, MONDO:0007254. Disease mechanism: loss of function.

Submissions (2):

Labcorp Genetics (formerly Invitae), Labcorp
Classification: Uncertain significance for Fanconi anemia. Last evaluated: 2024-08-08. Review status: criteria provided, single submitter. Criteria: Invitae Variant Classification Sherloc (09022015). Collection method: clinical testing. Allele origin: germline.
Comment: This sequence change replaces threonine, which is neutral and polar, with alanine, which is neutral and non-polar, at codon 494 of the FANCB protein (p.Thr494Ala). This variant is not present in population databases (gnomAD no frequency). This missense change has been observed in individual(s) with breast cancer (PMID: 33558524). ClinVar contains an entry for this variant (Variation ID: 690287). Advanced modeling of protein sequence and biophysical properties (such as structural, functional, and spatial information, amino acid conservation, physicochemical variation, residue mobility, and thermodynamic stability) has been performed at Invitae for this missense variant, however the output from this modeling did not meet the statistical confidence thresholds required to predict the impact of this variant on FANCB protein function. In summary, the available evidence is currently insufficient to determine the role of this variant in disease. Therefore, it has been classified as a Variant of Uncertain Significance.

Center of Medical Genetics and Primary Health Care
Classification: Uncertain significance for Breast Cancer. Last evaluated: 2020-04-08. Review status: no assertion criteria provided. Collection method: research. Allele origin: germline. Affected: yes. Observed: 1 heterozygote. Not counted in ClinVar's aggregate classification.
Comment: ACMG Guidelines 2015 criteria PM2 Pathogenic Moderate: Variant not found in GnomAD exomes. Variant not found in GnomAD genomes. BP1 Benign Supporting: 33 out of 34 non-VUS missense variants in gene FANCB are BEN = 97.1% > threshold of 51.0%, and 68 out of 126 clinically reported variants in gene FANCB are BEN = 54.0% > threshold of 24.0%. BP4 Benign Supporting: 5 benign predictions from DEOGEN2, M-CAP, MVP, MutationTaster and REVEL vs 4 pathogenic predictions from DANN, FATHMM-MKL, MutationAssessor and SIFT and the position is not conserved. In summary, the available evidence is currently insufficient to determine the role of this variant in disease. Therefore, it has been classified as a Variant of Uncertain Significance.

Literature cited by the submitters: PubMed 33558524 (cited by Labcorp Genetics (formerly Invitae), Labcorp).

NM_001018113.3(FANCB):c.1480A>G (p.Thr494Ala)

Gene: FANCB (FA complementation group B; minus strand). Cytogenetic location: Xp22.2.
Variant type: single nucleotide variant.
Coding change: c.1480A>G on transcript NM_001018113.3 (MANE Select); coding-DNA position 1480, A replaced by G.
Protein change: p.Thr494Ala; replaces threonine 494 with alanine.
Molecular consequence: missense variant.
Genome position (GRCh38, 1-based): chrX:14,850,521, T>C on the plus strand (A>G on the coding strand, the complement: FANCB is on the minus strand). VCF-style: chrX-14850521-T-C. GRCh37 (hg19) VCF-style: chrX-14868643-T-C.
Other names: c.1480A>G, p.Thr494Ala (NM_001324162.2, NM_152633.4); short protein forms T494A.
Identifiers: ClinVar variation 690287 (VCV000690287.8), dbSNP rs1601985311, ClinGen allele CA412441823.